The following is an entry in ClinVar:

ClinVar aggregate classification (germline): Uncertain significance (1 of 4 stars; one submission).

Submission:

CeGaT Center for Human Genetics Tuebingen
Classification: Uncertain significance. Last evaluated: 2026-09-01. Review status: criteria provided, single submitter. Criteria: CeGaT Center For Human Genetics Tuebingen Variant Classification Criteria Version 2. Collection method: clinical testing. Allele origin: germline. Affected: yes. Observed: 1 variant allele.
Comment: PHKA1: PM2, PVS1:Moderate

NM_002637.4(PHKA1):c.46C>T (p.Arg16Ter)

Gene: PHKA1 (phosphorylase kinase regulatory subunit alpha 1; minus strand). Cytogenetic location: Xq13.1.
Variant type: single nucleotide variant.
Coding change: c.46C>T on transcript NM_002637.4 (MANE Select); coding-DNA position 46, C replaced by T.
Protein change: p.Arg16Ter; replaces arginine 16 with a stop codon.
Molecular consequence: nonsense.
Genome position (GRCh38, 1-based): chrX:72,713,835, G>A on the plus strand (C>T on the coding strand, the complement: PHKA1 is on the minus strand). VCF-style: chrX-72713835-G-A. GRCh37 (hg19) VCF-style: chrX-71933683-G-A.
Other names: c.46C>T, p.Arg16Ter (NM_001122670.2, NM_001172436.2, NM_001431068.1 and 2 more transcripts); short protein forms R16*.
Identifiers: ClinVar variation 5041521 (VCV005041521.1).
Genomic context (GRCh38, chrX:72,713,835, plus strand): 5'-TGATTACGAGAGACACCCCTGCAGTTACCTGATGGCACAGGATGGTCTGTTGCACCAGTC[G>A]AGCGTAGCCGTCCAGCCGGACCCCGGAGTTACTCCGGCTCCTCATGGCGACACGTTACTA-3'